The following is an entry in ClinVar:

ClinVar aggregate classification (germline): Uncertain significance. Review status: criteria provided, multiple submitters, no conflicts (2 of 4 stars). 2 submissions from 2 submitters: Uncertain significance (2). Last evaluated 2025-12-03.

Conditions:
Cone-rod dystrophy 2 (CORD2). Also called: CONE-ROD RETINAL DYSTROPHY; Cone-rod retinal dystrophy 2. Identifiers: Orphanet 1872, MedGen C3489532, MONDO:0007362, OMIM 120970.
Leber congenital amaurosis 7 (LCA7). Identifiers: Orphanet 65, MedGen C3151192, MONDO:0013449, OMIM 613829.

Allele frequency attached by ClinVar (database versions not stated): ExAC 0.00001; gnomAD 0.00003 and 0.00004; gnomAD exomes 0.00003; TOPMed 0.00003; ESP Exome Variant Server 0.00008.
gnomAD v4.1: 73 of 1,613,494 alleles (0.0045%); highest among the groups gnomAD compares: Middle Eastern, 0.033%; no homozygotes.

Submissions (2):

Labcorp Genetics (formerly Invitae), Labcorp
Classification: Uncertain significance for Cone-rod dystrophy 2; Leber congenital amaurosis 7. Last evaluated: 2025-12-03. Review status: criteria provided, single submitter. Criteria: Invitae Variant Classification Sherloc (09022015). Collection method: clinical testing. Allele origin: germline.
Comment: This sequence change replaces alanine, which is neutral and non-polar, with threonine, which is neutral and polar, at codon 207 of the CRX protein (p.Ala207Thr). This variant is present in population databases (rs376982187, gnomAD 0.006%). This variant has not been reported in the literature in individuals affected with CRX-related conditions. ClinVar contains an entry for this variant (Variation ID: 1482128). Invitae Evidence Modeling of protein sequence and biophysical properties (such as structural, functional, and spatial information, amino acid conservation, physicochemical variation, residue mobility, and thermodynamic stability) indicates that this missense variant is not expected to disrupt CRX protein function with a negative predictive value of 95%. In summary, the available evidence is currently insufficient to determine the role of this variant in disease. Therefore, it has been classified as a Variant of Uncertain Significance.

Blueprint Genetics
Classification: Uncertain significance. Last evaluated: 2024-11-25. Review status: criteria provided, single submitter. Criteria: ACMG Guidelines, 2015. Collection method: clinical testing. Allele origin: germline.

NM_000554.6(CRX):c.619G>A (p.Ala207Thr)

Gene: CRX (cone-rod homeobox; plus strand). Cytogenetic location: 19q13.33.
Variant type: single nucleotide variant.
Coding change: c.619G>A on transcript NM_000554.6 (MANE Select); coding-DNA position 619, G replaced by A.
Protein change: p.Ala207Thr; replaces alanine 207 with threonine.
Molecular consequence: missense variant.
Genome position (GRCh38, 1-based): chr19:47,839,686, G>A. VCF-style: chr19-47839686-G-A. GRCh37 (hg19) VCF-style: chr19-48342943-G-A.
Other names: short protein forms A207T.
Identifiers: ClinVar variation 1482128 (VCV001482128.6), dbSNP rs376982187, ClinGen allele CA9544536.